The following is an entry in ClinVar:

NM_001191057.4(PDE1C):c.496G>A (p.Val166Met)

Gene: PDE1C (phosphodiesterase 1C; minus strand). Cytogenetic location: 7p14.3.
Variant type: single nucleotide variant.
Coding change: c.496G>A on transcript NM_001191057.4 (MANE Select); coding-DNA position 496, G replaced by A.
Protein change: p.Val166Met; replaces valine 166 with methionine.
Molecular consequence: missense variant.
Genome position (GRCh38, 1-based): chr7:31,873,405, C>T on the plus strand (G>A on the coding strand, the complement: PDE1C is on the minus strand). VCF-style: chr7-31873405-C-T. GRCh37 (hg19) VCF-style: chr7-31913018-C-T.
Other names: c.496G>A, p.Val166Met (NM_001191056.3, NM_001191059.4, NM_001322055.2 and 3 more transcripts); c.676G>A, p.Val226Met (NM_001191058.4, NM_001322058.2); c.901G>A, p.Val301Met (NM_001322059.2); c.676G>A (NM_001191058.1); short protein forms V166M, V226M, V301M.
Identifiers: ClinVar variation 1048861 (VCV001048861.2), dbSNP rs746804294, ClinGen allele CA4211186.

ClinVar aggregate classification (germline): Uncertain significance. Review status: criteria provided, single submitter (1 of 4 stars). 2 submissions from 2 submitters: Uncertain significance (1). 1 of the submissions does not count toward it. Last evaluated 2024-12-04.

Allele frequency attached by ClinVar (database versions not stated): ExAC 0.00002.
gnomAD v4.1: 11 of 1,595,834 alleles (0.00069%); highest among the groups gnomAD compares: Non-Finnish European, 0.00095%; no homozygotes.

Submissions (2):

Ambry Genetics
Classification: Uncertain significance. Last evaluated: 2024-12-04. Review status: criteria provided, single submitter. Criteria: Ambry Variant Classification Scheme 2023. Collection method: clinical testing. Allele origin: germline.

Department of Pathology and Laboratory Medicine, Sinai Health System
Classification: Uncertain significance. Review status: no assertion criteria provided. Collection method: clinical testing. Allele origin: unknown. Affected: yes. Study: The Canadian Open Genetics Repository (COGR). Not counted in ClinVar's aggregate classification.
Comment: The PDE1C p.Val301Met variant was not identified in the literature nor was it identified in ClinVar. The variant was identified in dbSNP (ID: rs746804294) and in control databases in 5 of 250500 chromosomes at a frequency of 0.00001996 (Genome Aggregation Database March 6, 2019, v2.1.1). The variant was observed in the European (non-Finnish) population in 5 of 113362 chromosomes (freq: 0.000044), but was not observed in the African, Latino, Ashkenazi Jewish, East Asian, European (Finnish), Other, or South Asian populations. The p.Val301 residue is conserved in mammals and computational analyses (PolyPhen-2, SIFT, AlignGVGD, BLOSUM, MutationTaster) provide inconsistent predictions regarding the impact to the protein; this information is not very predictive of pathogenicity. The variant occurs outside of the splicing consensus sequence and in silico or computational prediction software programs (SpliceSiteFinder, MaxEntScan, NNSPLICE, GeneSplicer) do not predict a difference in splicing. In summary, based on the above information the clinical significance of this variant cannot be determined with certainty at this time. This variant is classified as a variant of uncertain significance.